The following is an entry in ClinVar:

ClinVar aggregate classification (germline): Uncertain significance (1 of 4 stars; one submission).

Conditions:
Hypertrophic cardiomyopathy. Also called: HYPERTROPHIC MYOCARDIOPATHY. Identifiers: Orphanet 217569, MedGen C0007194, MeSH D002312, MONDO:0005045, HP:0001639.

Submission:

Labcorp Genetics (formerly Invitae), Labcorp
Classification: Uncertain significance for Hypertrophic cardiomyopathy. Last evaluated: 2023-04-08. Review status: criteria provided, single submitter. Criteria: Invitae Variant Classification Sherloc (09022015). Collection method: clinical testing. Allele origin: germline.
Comment: Advanced modeling of protein sequence and biophysical properties (such as structural, functional, and spatial information, amino acid conservation, physicochemical variation, residue mobility, and thermodynamic stability) has been performed at Invitae for this missense variant, however the output from this modeling did not meet the statistical confidence thresholds required to predict the impact of this variant on MYOM1 protein function. This variant has not been reported in the literature in individuals affected with MYOM1-related conditions. This variant is not present in population databases (gnomAD no frequency). This sequence change replaces isoleucine, which is neutral and non-polar, with serine, which is neutral and polar, at codon 541 of the MYOM1 protein (p.Ile541Ser). In summary, the available evidence is currently insufficient to determine the role of this variant in disease. Therefore, it has been classified as a Variant of Uncertain Significance.

NM_003803.4(MYOM1):c.1622T>G (p.Ile541Ser)

Gene: MYOM1 (myomesin 1; minus strand). Cytogenetic location: 18p11.31.
Variant type: single nucleotide variant.
Coding change: c.1622T>G on transcript NM_003803.4 (MANE Select); coding-DNA position 1622, T replaced by G.
Protein change: p.Ile541Ser; replaces isoleucine 541 with serine.
Molecular consequence: missense variant.
Genome position (GRCh38, 1-based): chr18:3,154,968, A>C on the plus strand (T>G on the coding strand, the complement: MYOM1 is on the minus strand). VCF-style: chr18-3154968-A-C. GRCh37 (hg19) VCF-style: chr18-3154966-A-C.
Other names: c.1622T>G, p.Ile541Ser (NM_019856.2); short protein forms I541S.
Identifiers: ClinVar variation 2853524 (VCV002853524.3), dbSNP rs2510673610, ClinGen allele CA401714468.
Genomic context (GRCh38, chr18:3,154,968, plus strand): 5'-GACCAAATAACTGTAATTGATGTTAGCCTAAGCACTAACTTATCAATAAAATATCCGAGA[A>C]TAGGACTCCCTCCATCGACAGCTGGCTGTTTCCAGGAGATGATGATATAATCTTTGTTGG-3'
Protein context (NP_003794.3, residues 531-551): KQPAVDGGSP[Ile541Ser]LGYFIDKCEV